The following is an entry in ClinVar:

NM_000215.4(JAK3):c.431A>T (p.Asp144Val)

Gene: JAK3 (Janus kinase 3; minus strand). Cytogenetic location: 19p13.11.
Variant type: single nucleotide variant.
Coding change: c.431A>T on transcript NM_000215.4 (MANE Select); coding-DNA position 431, A replaced by T.
Protein change: p.Asp144Val; replaces aspartic acid 144 with valine.
Molecular consequence: missense variant.
Genome position (GRCh38, 1-based): chr19:17,843,162, T>A on the plus strand (A>T on the coding strand, the complement: JAK3 is on the minus strand). VCF-style: chr19-17843162-T-A. GRCh37 (hg19) VCF-style: chr19-17953971-T-A.
Other names: short protein forms D144V.
Identifiers: ClinVar variation 432225 (VCV000432225.4), dbSNP rs1486760100, ClinGen allele CA404773421.

ClinVar aggregate classification (germline): Likely pathogenic. Review status: criteria provided, multiple submitters, no conflicts (2 of 4 stars). 3 submissions from 3 submitters: Likely pathogenic (3). Last evaluated 2024-03-01.

Conditions:
T-B+ severe combined immunodeficiency due to JAK3 deficiency. Also called: SCID, autosomal recessive, T-negative/B-positive type; SCID, T CELL-NEGATIVE, B CELL-POSITIVE, NK CELL-NEGATIVE. Identifiers: Orphanet 35078, MedGen C1833275, MONDO:0010938, OMIM 600802.
JAK3-related disorder. Also called: JAK3-related condition.

Allele frequency attached by ClinVar (database versions not stated): TOPMed below 0.00001; gnomAD 0.00001.
gnomAD v4.1: 1 of 1,605,480 alleles (0.000062%); highest among the groups gnomAD compares: Non-Finnish European, 0.000085%; no homozygotes.

Submissions (3):

Fulgent Genetics
Classification: Likely pathogenic for T-B+ severe combined immunodeficiency due to JAK3 deficiency. Last evaluated: 2024-03-01. Review status: criteria provided, single submitter. Criteria: ACMG Guidelines, 2015. Collection method: clinical testing. Allele origin: germline.

PreventionGenetics, part of Exact Sciences
Classification: Likely pathogenic for JAK3-related condition. Last evaluated: 2023-06-23. Review status: criteria provided, single submitter. Criteria: ACMG Guidelines, 2015. Collection method: clinical testing. Allele origin: germline.
Comment: The JAK3 c.431A>T variant is predicted to result in the amino acid substitution p.Asp144Val. This variant was reported in the compound heterozygous state in an individual with severe combined immunodeficiency (Patient P8 in Mantravadi et al. 2021. PubMed ID: 34539671). This variant has not been reported in a large population database, indicating this variant is rare. This variant is interpreted as likely pathogenic.

GeneDx
Classification: Likely pathogenic. Last evaluated: 2017-06-22. Review status: criteria provided, single submitter. Criteria: GeneDx Variant Classification (06012015). Collection method: clinical testing. Allele origin: germline. Affected: yes.
Comment: The D144V variant has not been published as a pathogenic variant, nor has it been reported as a benign variant to our knowledge. The variant was not observed in approximately 6,400 individuals of European and African American ancestry in the NHLBI Exome Sequencing Project, indicating it is not a common benign variant in these populations. D144V is a non-conservative amino acid substitution, which is likely to impact secondary protein structure as these residues differ in polarity, charge, size and/or other properties. This substitution occurs at a position within the FERM domain that is conserved across species; the FERM domain is important for interactions with cytokine, interferon, and growth hormone receptors (Yamaoka et al., 2004). In silico analysis predicts this variant is probably damaging to the protein structure/function. Therefore, this variant is likely pathogenic; however, the possibility that it is benign cannot be excluded.